The following is an entry in ClinVar:

ClinVar aggregate classification (germline): Uncertain significance (1 of 4 stars; one submission).

Conditions:
Hereditary cancer-predisposing syndrome. Also called: Neoplastic Syndromes, Hereditary; Tumor predisposition; Hereditary neoplastic syndrome; Hereditary Cancer Syndrome. Identifiers: Orphanet 140162, MedGen C0027672, MeSH D009386, MONDO:0015356.

Submission:

Ambry Genetics
Classification: Uncertain significance for Hereditary cancer-predisposing syndrome. Last evaluated: 2023-12-24. Review status: criteria provided, single submitter. Criteria: Ambry Variant Classification Scheme 2023. Collection method: clinical testing. Allele origin: germline.
Comment: The p.R1288G variant (also known as c.3862A>G), located in coding exon 25 of the RAD50 gene, results from an A to G substitution at nucleotide position 3862. The arginine at codon 1288 is replaced by glycine, an amino acid with dissimilar properties. This amino acid position is conserved. In addition, this alteration is predicted to be deleterious by in silico analysis. Since supporting evidence is limited at this time, the clinical significance of this alteration remains unclear.

NM_005732.4(RAD50):c.3862A>G (p.Arg1288Gly)

Genes: RAD50 (RAD50 double strand break repair protein; plus strand), TH2LCRR (T helper type 2 locus control region associated RNA; minus strand). Cytogenetic location: 5q31.1.
Variant type: single nucleotide variant.
Coding change: c.3862A>G on transcript NM_005732.4 (MANE Select); coding-DNA position 3862, A replaced by G.
Protein change: p.Arg1288Gly; replaces arginine 1288 with glycine.
Molecular consequence: missense variant.
Genome position (GRCh38, 1-based): chr5:132,642,287, A>G. VCF-style: chr5-132642287-A-G. GRCh37 (hg19) VCF-style: chr5-131977979-A-G.
Other names: short protein forms R1288G.
Identifiers: ClinVar variation 3224987 (VCV003224987.1), dbSNP rs2479440499, ClinGen allele CA360936997.